The following is an entry in ClinVar:

NM_181552.4(CUX1):c.2161C>G (p.Gln721Glu)

Gene: CUX1 (cut like homeobox 1; plus strand). Cytogenetic location: 7q22.1.
Variant type: single nucleotide variant.
Coding change: c.2161C>G on transcript NM_181552.4 (MANE Select); coding-DNA position 2161, C replaced by G.
Protein change: p.Gln721Glu; replaces glutamine 721 with glutamic acid.
Molecular consequence: missense variant. On other transcripts: intron variant (5).
Genome position (GRCh38, 1-based): chr7:102,201,458, C>G. VCF-style: chr7-102201458-C-G. GRCh37 (hg19) VCF-style: chr7-101844738-C-G.
Other names: c.2194C>G, p.Gln732Glu (NM_001202543.2); c.1255+5855C>G (NM_001913.5); c.1249+5855C>G (NM_181500.4); c.1117+5855C>G (NM_001202545.3); c.1207+5855C>G (NM_001202544.3); c.1138+5855C>G (NM_001202546.3); short protein forms Q721E, Q732E.
Identifiers: ClinVar variation 5007115 (VCV005007115.2).
Genomic context (GRCh38, chr7:102,201,458, plus strand): 5'-AACTCTGATGACGCCATCCGCTCCATCCTGCAGCAAGCCCGCCGGGAGATGGAGGCCCAG[C>G]AGGCTGCCCTCGACCCTGCCTTAAAGCAGGCACCACTGTCCCAGAGTGACATCACCATCC-3'
Protein context (NP_853530.2, residues 711-731): QQARREMEAQ[Gln721Glu]AALDPALKQA

ClinVar aggregate classification (germline): Uncertain significance (1 of 4 stars; one submission).

Conditions:
Global developmental delay with or without impaired intellectual development. Identifiers: MedGen C5193032, MONDO:0032680, OMIM 618330.

Submission:

Juno Genomics, Hangzhou Juno Genomics, Inc
Classification: Uncertain significance for Global developmental delay with or without impaired intellectual development. Review status: criteria provided, single submitter. Criteria: ACMG Guidelines, 2015. Collection method: clinical testing. Allele origin: germline.
Comment: Absent from controls (or at extremely low frequency if recessive) in Genome Aggregation Database.;Missense variant in a gene that has a low rate of benign missense variation.